The following is an entry in ClinVar:

NM_000059.4(BRCA2):c.5125_5129del (p.Asp1709fs)

Gene: BRCA2 (BRCA2 DNA repair associated; plus strand). Cytogenetic location: 13q13.1.
Variant type: Deletion.
Coding change: c.5125_5129del on transcript NM_000059.4 (MANE Select); coding-DNA positions 5125 to 5129, 5 bases deleted (GATTA; older notation c.5125_5129delGATTA).
Protein change: p.Asp1709fs; shifts the reading frame from aspartic acid 1709.
Molecular consequence: frameshift variant.
Genome position (GRCh38, 1-based): chr13:32,339,480-32,339,484, GATTA deleted; deleting any 5 consecutive bases within chr13:32,339,479-32,339,484 gives the same sequence; the c. name uses the placement nearest the transcript's 3' end. VCF-style (leftmost placement, unchanged base first): chr13-32339478-CAGATT-C. GRCh37 (hg19) VCF-style: chr13-32913615-CAGATT-C.
Other names: 5352 del5 1715 X; short protein forms D1709fs.
Identifiers: ClinVar variation 266851 (VCV000266851.5), dbSNP rs886040568, ClinGen allele CA10589289.

ClinVar aggregate classification (germline): Pathogenic. Review status: reviewed by expert panel (3 of 4 stars). 2 submissions from 2 submitters: Pathogenic (1). 1 of the submissions does not count toward it. Last evaluated 2016-10-18.

Conditions:
Breast-ovarian cancer, familial, susceptibility to, 2 (BROVCA2). Also called: BRCA2 Hereditary Breast and Ovarian Cancer. Identifiers: Orphanet 145, MedGen C2675520, MONDO:0012933, OMIM 612555. Disease mechanism: loss of function.

Submissions (2):

Evidence-based Network for the Interpretation of Germline Mutant Alleles (ENIGMA)
Classification: Pathogenic for Breast-ovarian cancer, familial, susceptibility to, 2. Last evaluated: 2016-10-18. Review status: reviewed by expert panel. Criteria: ENIGMA BRCA1/2 Classification Criteria (2015). Collection method: curation. Allele origin: germline.
Comment: Variant allele predicted to encode a truncated non-functional protein.

Consortium of Investigators of Modifiers of BRCA1/2 (CIMBA), c/o University of Cambridge
Classification: Pathogenic for Breast-ovarian cancer, familial, susceptibility to, 2. Last evaluated: 2015-10-02. Review status: criteria provided, single submitter. Criteria: CIMBA Mutation Classification guidelines May 2016. Collection method: clinical testing. Allele origin: germline. Not counted in ClinVar's aggregate classification.